The following is an entry in ClinVar:

NM_002471.4(MYH6):c.2169-1G>T

Gene: MYH6 (myosin heavy chain 6; minus strand). Cytogenetic location: 14q11.2.
Variant type: single nucleotide variant.
Coding change: c.2169-1G>T on transcript NM_002471.4 (MANE Select); the canonical splice acceptor site of the intron before coding-DNA position 2169, G replaced by T.
Molecular consequence: splice acceptor variant.
Genome position (GRCh38, 1-based): chr14:23,396,818, C>A on the plus strand (G>T on the coding strand, the complement: MYH6 is on the minus strand). VCF-style: chr14-23396818-C-A. GRCh37 (hg19) VCF-style: chr14-23866027-C-A.
Identifiers: ClinVar variation 2574350 (VCV002574350.1), dbSNP rs921216884, ClinGen allele CA389017369.

ClinVar aggregate classification (germline): Uncertain significance (1 of 4 stars; one submission).

Allele frequency attached by ClinVar (database versions not stated): gnomAD exomes below 0.00001.
gnomAD v4.1: 3 of 1,613,976 alleles (0.00019%); highest among the groups gnomAD compares: Admixed American, 0.005%; no homozygotes.

Submission:

GeneDx
Classification: Uncertain significance. Last evaluated: 2023-01-25. Review status: criteria provided, single submitter. Criteria: GeneDx Variant Classification Process June 2021. Collection method: clinical testing. Allele origin: germline. Affected: yes.
Comment: Not observed at significant frequency in large population cohorts (gnomAD); Canonical splice site variant in a gene or region of a gene for which loss of function is not a well-established mechanism of disease; Has not been previously published as pathogenic or benign to our knowledge